The following is an entry in ClinVar:

NM_022834.5(VWA1):c.631+7G>A

Gene: VWA1 (von Willebrand factor A domain containing 1; plus strand). Cytogenetic location: 1p36.33.
Variant type: single nucleotide variant.
Coding change: c.631+7G>A on transcript NM_022834.5 (MANE Select); 7 bases into the intron after coding-DNA position 631, G replaced by A.
Molecular consequence: intron variant.
Genome position (GRCh38, 1-based): chr1:1,437,491, G>A. VCF-style: chr1-1437491-G-A. GRCh37 (hg19) VCF-style: chr1-1372871-G-A.
Other names: p.?; c.*41+7G>A (NM_199121.3).
Identifiers: ClinVar variation 4683184 (VCV004683184.1).

ClinVar aggregate classification (germline): Likely benign (1 of 4 stars; one submission).

gnomAD v4.1: 82 of 1,594,548 alleles (0.0051%); highest among the groups gnomAD compares: East Asian, 0.013%; no homozygotes.

Submission:

Mayo Clinic Laboratories, Mayo Clinic
Classification: Likely benign. Last evaluated: 2024-11-14. Review status: criteria provided, single submitter. Criteria: ACMG Guidelines, 2015. Collection method: clinical testing. Allele origin: germline. Observed: 1 variant allele.
Comment: BS1, BP4, BP7